The following is an entry in ClinVar:

NM_001005373.4(LRSAM1):c.120G>A (p.Glu40=)

Gene: LRSAM1 (leucine rich repeat and sterile alpha motif containing 1; plus strand). Cytogenetic location: 9q33.3.
Variant type: single nucleotide variant.
Coding change: c.120G>A on transcript NM_001005373.4 (MANE Select); coding-DNA position 120, G replaced by A.
Protein change: p.Glu40=; no amino-acid change (glutamic acid 40 retained).
Molecular consequence: synonymous variant. On other transcripts: 5 prime UTR variant (1), non-coding transcript variant (2).
Genome position (GRCh38, 1-based): chr9:127,455,045, G>A. VCF-style: chr9-127455045-G-A. GRCh37 (hg19) VCF-style: chr9-130217324-G-A.
Other names: c.120G>A, p.Glu40= (NM_001005374.4, NM_001190723.3, NM_001384142.1 and 2 more transcripts); c.-665G>A (NM_001384144.1).
Identifiers: ClinVar variation 392212 (VCV000392212.4), dbSNP rs775125689, ClinGen allele CA5246382.

ClinVar aggregate classification (germline): Likely benign. Review status: criteria provided, multiple submitters, no conflicts (2 of 4 stars). 2 submissions from 2 submitters: Likely benign (2). Last evaluated 2024-01-22.

Conditions:
Charcot-Marie-Tooth disease axonal type 2P. Also called: CHARCOT-MARIE-TOOTH NEUROPATHY, TYPE 2P; CHARCOT-MARIE-TOOTH DISEASE, AXONAL, TYPE 2G; CMT 2G; Charcot-Marie-Tooth Neuropathy Type 2G. Identifiers: Orphanet 300319, Orphanet 99941, MedGen C3280797, MONDO:0013753, OMIM 614436.

Allele frequency attached by ClinVar (database versions not stated): ExAC 0.00001; gnomAD exomes 0.00001 and 0.00002; TOPMed 0.00001.
gnomAD v4.1: 7 of 1,614,136 alleles (0.00043%); highest among the groups gnomAD compares: Admixed American, 0.01%; no homozygotes.

Submissions (2):

Labcorp Genetics (formerly Invitae), Labcorp
Classification: Likely benign for Charcot-Marie-Tooth disease axonal type 2P. Last evaluated: 2024-01-22. Review status: criteria provided, single submitter. Criteria: Invitae Variant Classification Sherloc (09022015). Collection method: clinical testing. Allele origin: germline.

GeneDx
Classification: Likely benign. Last evaluated: 2016-12-30. Review status: criteria provided, single submitter. Criteria: GeneDx Variant Classification (06012015). Collection method: clinical testing. Allele origin: germline. Affected: yes.
Comment: This variant is considered likely benign or benign based on one or more of the following criteria: it is a conservative change, it occurs at a poorly conserved position in the protein, it is predicted to be benign by multiple in silico algorithms, and/or has population frequency not consistent with disease.